The following is an entry in ClinVar:

ClinVar aggregate classification (germline): Likely benign. Review status: criteria provided, multiple submitters, no conflicts (2 of 4 stars). 3 submissions from 3 submitters: Likely benign (3). Last evaluated 2024-09-20.

Conditions:
ALMS1-related disorder. Also called: ALMS1-related condition.
Alstrom syndrome (ALMS). Identifiers: Orphanet 64, MedGen C0268425, MONDO:0008763, OMIM 203800.
Cardiovascular phenotype. Identifiers: MedGen CN230736.

Allele frequency attached by ClinVar (database versions not stated): gnomAD 0.00001; TOPMed below 0.00001.
gnomAD v4.1: 1 of 1,612,408 alleles (0.000062%); highest among the groups gnomAD compares: Non-Finnish European, 0.000085%; no homozygotes.

Submissions (3):

Ambry Genetics
Classification: Likely benign for Cardiovascular phenotype. Last evaluated: 2024-09-20. Review status: criteria provided, single submitter. Criteria: Ambry Variant Classification Scheme 2023. Collection method: clinical testing. Allele origin: germline.

Labcorp Genetics (formerly Invitae), Labcorp
Classification: Likely benign for Alstrom syndrome. Last evaluated: 2023-11-05. Review status: criteria provided, single submitter. Criteria: Invitae Variant Classification Sherloc (09022015). Collection method: clinical testing. Allele origin: germline.

PreventionGenetics, part of Exact Sciences
Classification: Likely benign for ALMS1-related condition. Last evaluated: 2020-04-03. Review status: criteria provided, single submitter. Criteria: ACMG Guidelines, 2015. Collection method: clinical testing. Allele origin: germline.
Comment: This variant is classified as likely benign based on ACMG/AMP sequence variant interpretation guidelines (Richards et al. 2015 PMID: 25741868, with internal and published modifications).

NM_001378454.1(ALMS1):c.3930T>C (p.Ala1310=)

Gene: ALMS1 (ALMS1 centrosome and basal body associated protein; plus strand). Cytogenetic location: 2p13.1.
Variant type: single nucleotide variant.
Coding change: c.3930T>C on transcript NM_001378454.1 (MANE Select); coding-DNA position 3930, T replaced by C.
Protein change: p.Ala1310=; no amino-acid change (alanine 1310 retained).
Molecular consequence: synonymous variant.
Genome position (GRCh38, 1-based): chr2:73,450,457, T>C. VCF-style: chr2-73450457-T-C. GRCh37 (hg19) VCF-style: chr2-73677584-T-C.
Other names: c.3933T>C, p.Ala1311= (NM_015120.4).
Identifiers: ClinVar variation 1594047 (VCV001594047.10), dbSNP rs1558649057, ClinGen allele CA427020517.